The following is an entry in ClinVar:

NM_024884.3(L2HGDH):c.947C>T (p.Thr316Ile)

Gene: L2HGDH (L-2-hydroxyglutarate dehydrogenase; minus strand). Cytogenetic location: 14q21.3.
Variant type: single nucleotide variant.
Coding change: c.947C>T on transcript NM_024884.3 (MANE Select); coding-DNA position 947, C replaced by T.
Protein change: p.Thr316Ile; replaces threonine 316 with isoleucine.
Molecular consequence: missense variant.
Genome position (GRCh38, 1-based): chr14:50,267,870, G>A on the plus strand (C>T on the coding strand, the complement: L2HGDH is on the minus strand). VCF-style: chr14-50267870-G-A. GRCh37 (hg19) VCF-style: chr14-50734588-G-A.
Other names: short protein forms T316I.
Identifiers: ClinVar variation 1299226 (VCV001299226.1), dbSNP rs2139977562, ClinGen allele CA389649329.
Genomic context (GRCh38, chr14:50,267,870, plus strand): 5'-TCTCGTTTAAAGGCAAGAACTGCATTAGGCCCTAGCCAAATACTGCCATCCATCCTTGGT[G>A]TGAAGTGAACTCCTAGGAAAGGAAACCGGCTATCTGGGACCTATAAATTTAACATAGTAA-3'
Protein context (NP_079160.1, residues 306-326): SRFPFLGVHF[Thr316Ile]PRMDGSIWLG

ClinVar aggregate classification (germline): Uncertain significance (1 of 4 stars; one submission).

Conditions:
L-2-hydroxyglutaric aciduria (L2HGA). Identifiers: Orphanet 79314, MedGen C1855995, MONDO:0009370, OMIM 236792, HP:0040144.

Allele frequency attached by ClinVar (database versions not stated): gnomAD exomes below 0.00001.
gnomAD v4.1: 1 of 1,614,104 alleles (0.000062%); highest among the groups gnomAD compares: Admixed American, 0.0017%; no homozygotes.

Submission:

Breda Genetics srl
Classification: Uncertain significance for L-2-hydroxyglutaric aciduria. Last evaluated: 2021-02-03. Review status: criteria provided, single submitter. Criteria: ACMG Guidelines, 2015. Collection method: clinical testing. Allele origin: germline. Inheritance: Autosomal recessive inheritance. Affected: yes. Observed: 1 variant allele, 1 heterozygote.
Comment: Based on allele frequency, in-silico prediction scores and a certain overlap with the clinical phenotype, we interpreted this variant at least as of uncertain significance. The lack of one or more of the following features has discouraged further investigations: lack of a possible second hit in autosomal recessive conditions, presence of healthy controls in databases for autosomal dominant conditions, presence of unmatching cardinal clinical features in the patient or in the known gene-disease association, and/or variant type outside the known gene mutational spectrum.